The following is an entry in ClinVar:

NM_006031.6(PCNT):c.7800_7801inv (p.Ala2601Pro)

Gene: PCNT (pericentrin; plus strand). Cytogenetic location: 21q22.3.
Variant type: Inversion.
Coding change: c.7800_7801inv on transcript NM_006031.6 (MANE Select).
Protein change: p.Ala2601Pro; replaces alanine 2601 with proline.
Molecular consequence: missense variant.
Genome position: GRCh38 VCF-style: chr21-46430119-GG-CC. GRCh37 (hg19) VCF-style: chr21-47850033-GG-CC.
Other names: c.7446_7447inv, p.Ala2483Pro (NM_001315529.2); short protein forms A2601P, A2483P.
Identifiers: ClinVar variation 2766302 (VCV002766302.3), ClinGen allele CA2697547608.

ClinVar aggregate classification (germline): Uncertain significance (1 of 4 stars; one submission).

Submission:

Labcorp Genetics (formerly Invitae), Labcorp
Classification: Uncertain significance. Last evaluated: 2023-10-06. Review status: criteria provided, single submitter. Criteria: Invitae Variant Classification Sherloc (09022015). Collection method: clinical testing. Allele origin: germline.
Comment: This sequence change replaces alanine, which is neutral and non-polar, with proline, which is neutral and non-polar, at codon 2601 of the PCNT protein (p.Ala2601Pro). Information on the frequency of this variant in the gnomAD database is not available, as this variant may be reported differently in the database. This variant has not been reported in the literature in individuals affected with PCNT-related conditions. Experimental studies and prediction algorithms are not available or were not evaluated, and the functional significance of this variant is currently unknown. In summary, the available evidence is currently insufficient to determine the role of this variant in disease. Therefore, it has been classified as a Variant of Uncertain Significance.